The following is an entry in ClinVar:

NM_206933.4(USH2A):c.13649T>G (p.Val4550Gly)

Gene: USH2A (usherin; minus strand). Cytogenetic location: 1q41.
Variant type: single nucleotide variant.
Coding change: c.13649T>G on transcript NM_206933.4 (MANE Select); coding-DNA position 13649, T replaced by G.
Protein change: p.Val4550Gly; replaces valine 4550 with glycine.
Molecular consequence: missense variant.
Genome position (GRCh38, 1-based): chr1:215,674,262, A>C on the plus strand (T>G on the coding strand, the complement: USH2A is on the minus strand). VCF-style: chr1-215674262-A-C. GRCh37 (hg19) VCF-style: chr1-215847604-A-C.
Other names: c.13649T>G (NM_206933.2); short protein forms V4550G.
Identifiers: ClinVar variation 424929 (VCV000424929.75), dbSNP rs553956503, ClinGen allele CA1393248.

ClinVar aggregate classification (germline): Conflicting classifications of pathogenicity. Review status: criteria provided, conflicting classifications (1 of 4 stars). 7 submissions from 7 submitters: Likely pathogenic (3); Uncertain significance (2); Likely benign (1). 1 of the submissions does not count toward it. Last evaluated 2025-12-29.

Conditions:
USH2A-related disorder. Also called: USH2A-related condition; USH2A-related disorders. Identifiers: MedGen CN239332.
Monogenic hearing loss.
Usher syndrome. Also called: Usher Syndromes; Usher's syndrome. Identifiers: Orphanet 886, MedGen CN469326, MeSH D052245, MONDO:0019501. Disease mechanism: loss of function.

Allele frequency attached by ClinVar (database versions not stated): gnomAD below 0.00001 and 0.00007; TOPMed 0.00002; gnomAD exomes 0.00017 and 0.00033; 1000 Genomes Project 30x 0.00031; ExAC 0.00031; 1000 Genomes Project 0.00040.
gnomAD v4.1: 259 of 1,614,132 alleles (0.016%); highest among the groups gnomAD compares: South Asian, 0.27%; 1 homozygote.

Submissions (7):

Myriad Genetics, Inc.
Classification: Likely pathogenic for USH2A-related disorder. Last evaluated: 2025-12-29. Review status: criteria provided, single submitter. Criteria: Myriad Autosomal Dominant, Autosomal Recessive and X-Linked Classification Criteria (2023). Collection method: clinical testing. Allele origin: unknown.
Comment: NM_206933.2(USH2A):c.13649T>G(V4550G) is a missense variant classified as likely pathogenic in the context of USH2A-related disorders. V4550G has been observed in cases with relevant disease (PMID: 31816670, 38219857, 38219857, 28559085, 36819107, 25097241, 32531858, 36513702). Relevant functional assessments of this variant are not available in the literature. V4550G has been observed in referenced population frequency databases. In summary, NM_206933.2(USH2A):c.13649T>G(V4550G) is a missense variant that has been observed more frequently in cases with the relevant disease than in healthy populations. Please note: this variant was assessed in the context of healthy population screening.

Labcorp Genetics (formerly Invitae), Labcorp
Classification: Likely benign. Last evaluated: 2025-11-25. Review status: criteria provided, single submitter. Criteria: Invitae Variant Classification Sherloc (09022015). Collection method: clinical testing. Allele origin: germline.

Genetics Laboratory, Great Ormond Street Hospital NHS Foundation Trust, North Thames Genomic Laboratory Hub
Classification: Likely pathogenic for Monogenic hearing loss. Last evaluated: 2025-10-04. Review status: criteria provided, single submitter. Criteria: ACGS Best Practice Guidelines for Variant Classification in Rare Disease 2024 v1.2. Collection method: clinical testing. Allele origin: germline. Affected: yes.
Comment: PM2_moderate, PM3_strong

Blueprint Genetics
Classification: Uncertain significance. Last evaluated: 2024-10-09. Review status: criteria provided, single submitter. Criteria: ACMG Guidelines, 2015. Collection method: clinical testing. Allele origin: germline.

SN ONGC Dept of Genetics and Molecular biology Vision Research Foundation
Classification: Likely pathogenic for Usher syndrome. Last evaluated: 2022-12-31. Review status: criteria provided, single submitter. Criteria: ACMG Guidelines, 2015. Collection method: research. Allele origin: unknown. Affected: yes. Observed: 1 variant allele, 1 heterozygote.

CeGaT Center for Human Genetics Tuebingen
Classification: Uncertain significance. Last evaluated: 2016-10-01. Review status: criteria provided, single submitter. Criteria: CeGaT Center For Human Genetics Tuebingen Variant Classification Criteria Version 2. Collection method: clinical testing. Allele origin: germline. Affected: yes. Observed: 1 variant allele.

PreventionGenetics, part of Exact Sciences
Classification: Likely benign for USH2A-related condition. Last evaluated: 2022-04-14. Review status: no assertion criteria provided. Collection method: clinical testing. Allele origin: germline. Not counted in ClinVar's aggregate classification.
Comment: This variant is classified as likely benign based on ACMG/AMP sequence variant interpretation guidelines (Richards et al. 2015 PMID: 25741868, with internal and published modifications).

Literature cited by the submitters: PubMed 25097241 (cited by Myriad Genetics, Inc.); PubMed 28559085 (cited by Myriad Genetics, Inc.); PubMed 31816670 (cited by Myriad Genetics, Inc.); PubMed 32531858 (cited by Myriad Genetics, Inc.); PubMed 36513702 (cited by Myriad Genetics, Inc.); PubMed 36819107 (cited by Myriad Genetics, Inc.); PubMed 38219857 (cited by Myriad Genetics, Inc.).